The following is an entry in ClinVar:

ClinVar aggregate classification (germline): Pathogenic (1 of 4 stars; one submission).

Conditions:
Sotos syndrome (SOTOS). Also called: Sotos' syndrome; CHROMOSOME 5q35 DELETION SYNDROME; SOTOS SYNDROME 1; Distinctive facial appearance, overgrowth in childhood, and learning disabilities or delayed development; CEREBRAL GIGANTISM. Identifiers: Orphanet 821, MedGen C0175695, MONDO:0019349, OMIM 117550.

Submission:

Labcorp Genetics (formerly Invitae), Labcorp
Classification: Pathogenic. Last evaluated: 2020-03-11. Review status: criteria provided, single submitter. Criteria: Invitae Variant Classification Sherloc (09022015). Collection method: clinical testing. Allele origin: germline.
Comment: This sequence change creates a premature translational stop signal (p.Ser892Leufs*20) in the NSD1 gene. It is expected to result in an absent or disrupted protein product. This variant is not present in population databases (ExAC no frequency). This variant has not been reported in the literature in individuals with NSD1-related conditions. Loss-of-function variants in NSD1 are known to be pathogenic (PMID: 12464997, 14571271, 15942875, 16247291). For these reasons, this variant has been classified as Pathogenic.

Literature cited by the submitters: PubMed 12464997; PubMed 14571271; PubMed 15942875; PubMed 16247291.

NM_022455.5(NSD1):c.2674del (p.Ser892fs)

Gene: NSD1 (nuclear receptor binding SET domain protein 1; plus strand). Cytogenetic location: 5q35.3.
Variant type: Deletion.
Coding change: c.2674del on transcript NM_022455.5 (MANE Select); coding-DNA position 2674, one base deleted (T; older notation c.2674delT).
Protein change: p.Ser892fs; shifts the reading frame from serine 892.
Molecular consequence: frameshift variant.
Genome position (GRCh38, 1-based): chr5:177,211,073, T deleted; the last of 2 consecutive T bases (chr5:177,211,072-177,211,073); deleting either gives the same sequence. VCF-style (leftmost placement, unchanged base first): chr5-177211071-CT-C. GRCh37 (hg19) VCF-style: chr5-176638072-CT-C.
Other names: c.2674delT, p.Ser892Leufs (NM_001409303.1, NM_001409301.1, NM_001409302.1); c.2254delT, p.Ser752Leufs (NM_001409304.1); c.1921delT, p.Ser641Leufs (NM_001409305.1); c.1801delT, p.Ser601Leufs (NM_001409306.1, NM_001409307.1, NM_001409308.1 and 3 more transcripts); short protein forms S623fs, S892fs.
Identifiers: ClinVar variation 1073800 (VCV001073800.3), dbSNP rs2149846018, ClinGen allele CA2499217770.